The following is an entry in ClinVar:

ClinVar aggregate classification (germline): Pathogenic. Review status: criteria provided, multiple submitters, no conflicts (2 of 4 stars). 15 submissions from 15 submitters: Pathogenic (15). Last evaluated 2026-08-19.

Conditions:
Familial intrahepatic cholestasis. Identifiers: Orphanet 284385, MedGen CN296401, MONDO:0017290.
ABCB11-related disorder. Also called: ABCB11-related condition.
Cholestasis, progressive familial intrahepatic, 4. Identifiers: Orphanet 480483, Orphanet 79304, MedGen C2931067, MONDO:0014381, OMIM 615878.
Benign recurrent intrahepatic cholestasis type 2 (BRIC2). Also called: Recurrent familial intrahepatic cholestasis 2. Identifiers: Orphanet 65682, Orphanet 99961, MedGen C2608083, MONDO:0011559, OMIM 605479.
Progressive familial intrahepatic cholestasis type 2. Identifiers: Orphanet 79304, MedGen C3489789, MONDO:0011156, OMIM 601847.

Allele frequency attached by ClinVar (database versions not stated): gnomAD 0.00001; TOPMed 0.00001; gnomAD exomes 0.00002; ExAC 0.00003.
gnomAD v4.1: 33 of 1,612,360 alleles (0.002%); highest among the groups gnomAD compares: Non-Finnish European, 0.0028%; no homozygotes.

Submissions (15):

Molecular Genetics Laboratory, CHU Lille
Classification: Pathogenic for Progressive familial intrahepatic cholestasis type 2. Last evaluated: 2026-08-19. Review status: criteria provided, single submitter. Criteria: ACMG Guidelines, 2015. Collection method: clinical testing. Allele origin: germline. Affected: yes.
Comment: The variant is a missense variant in ABCB11. Furthermore, it is present at an extremely low frequency in gnomAD (only heterozygous carriers). In summary, this variant meets the criteria to be classified as pathogenic for PFIC2 based on the applied ACMG/AMP guidelines (PP5, PS3, PM1, PM2).

Genomenon, Inc
Classification: Pathogenic for Familial intrahepatic cholestasis. Last evaluated: 2026-04-14. Review status: criteria provided, single submitter. Criteria: Genomenon Sequence Variant Interpretation Standards - Updated. Collection method: curation. Allele origin: germline. Affected: yes.
Comment: ABCB11 p.Asp482Gly (c.1445A>G) is a missense variant that changes the amino acid at residue 482 from Aspartic acid to Glycine. This variant has been observed in at least one proband with an ABCB11-related disorder (PMID:38108658;37361697;36995996;34828443;32793533;31556557;28733223;25847299;18395098;9806540). The variant was found to segregate with disease in at least one affected family (PMID:18395098). At least one functional study has demonstrated a substantial alteration in protein function relative to the wild-type (PMID:17947449;17855769;25713208;12370274). Splicing studies have been reported (PMID:19101985). This variant is located in a mutational hotspot and/or important functional domain. It is absent or not present at a significant frequency in gnomAD. In silico models predict that this variant is possibly or probably damaging. In conclusion, we classify ABCB11 p.Asp482Gly (c.1445A>G) as a pathogenic variant.

PreventionGenetics, part of Exact Sciences
Classification: Pathogenic for ABCB11-related condition. Last evaluated: 2026-03-05. Review status: criteria provided, single submitter. Criteria: ACMG Guidelines, 2015. Collection method: clinical testing. Allele origin: germline.
Comment: The ABCB11 c.1445A>G variant is predicted to result in the amino acid substitution p.Asp482Gly. This variant is one of the most common pathogenic variants for cholestatic liver disease (Strautnieks et al. 1998. PubMed ID: 9806540; Strautnieks et al. 2008. PubMed ID: 18395098; Dröge et al. 2017. PubMed ID: 28733223). This variant has also been reported in large cohorts of patients with intrahepatic cholestasis of pregnancy (Dixon et al. 2008. PubMed ID: 18987030; Anzivino et al. 2012. PubMed ID: 23022423). Functional studies of rat, mouse, and human BSEP protein have collectively shown that this variant causes a defect; however, these studies have differed in their conclusions regarding its pathological mechanism and range from defects in protein trafficking, protein instability, defective transport activity, and alteration of mRNA splicing (Wang et al. 2002. PubMed ID: 12370274; Plass et al. 2004. PubMed ID: 14672610; Hayashi et al. 2005. PubMed ID: 15791618; Lam et al 2007. PubMed ID: 17855769; Byrne et al. 2009. PubMed ID: 19101985). This variant has been interpreted by multiple labs in ClinVar as pathogenic (Variation ID: 288555). Based on this evidence, we interpret this variant as pathogenic.

Labcorp Genetics (formerly Invitae), Labcorp
Classification: Pathogenic. Last evaluated: 2025-11-27. Review status: criteria provided, single submitter. Criteria: Invitae Variant Classification Sherloc (09022015). Collection method: clinical testing. Allele origin: germline.
Comment: This sequence change replaces aspartic acid, which is acidic and polar, with glycine, which is neutral and non-polar, at codon 482 of the ABCB11 protein (p.Asp482Gly). This variant is present in population databases (rs72549402, gnomAD 0.004%). This missense change has been observed in individuals with ABCB11-related conditions (PMID: 9806540, 18395098, 26019043). ClinVar contains an entry for this variant (Variation ID: 288555). Invitae Evidence Modeling of protein sequence and biophysical properties (such as structural, functional, and spatial information, amino acid conservation, physicochemical variation, residue mobility, and thermodynamic stability) has been performed for this missense variant. However, the output from this modeling did not meet the statistical confidence thresholds required to predict the impact of this variant on ABCB11 protein function. Experimental studies have shown that this missense change affects ABCB11 function (PMID: 12370274, 14672610, 19101985). Algorithms developed to predict the effect of sequence changes on RNA splicing suggest that this variant may disrupt the consensus splice site. For these reasons, this variant has been classified as Pathogenic.

Natera, Inc.
Classification: Pathogenic for Progressive familial intrahepatic cholestasis type 2. Last evaluated: 2025-10-10. Review status: criteria provided, single submitter. Criteria: Natera Variant Classification Schema (03/2026). Collection method: clinical testing. Allele origin: germline.
Comment: The c.1445A>G variant in ABCB11 is a missense variant predicted to cause substitution of aspartic acid to glycine at amino acid 482. This variant is rare in the general population with a frequency below the threshold expected for the associated phenotype(s). This variant has been observed in one or more individuals affected with the associated recessive disease, as either homozygous or compound heterozygous with a second variant (PMID: 18395098). Given the available evidence, this variant is classified as Pathogenic.

Blueprint Genetics
Classification: Pathogenic for ABCB11-related disorders. Last evaluated: 2024-10-29. Review status: criteria provided, single submitter. Criteria: ACMG Guidelines, 2015. Collection method: clinical testing. Allele origin: germline. Affected: yes. Observed: 5 variant alleles.

Institute of Human Genetics, University of Leipzig Medical Center
Classification: Pathogenic for Cholestasis, progressive familial intrahepatic, 4. Last evaluated: 2024-10-07. Review status: criteria provided, single submitter. Criteria: ACMG Guidelines, 2015. Collection method: clinical testing. Allele origin: unknown. Inheritance: Autosomal recessive inheritance. Affected: yes.
Comment: Criteria applied: PS3,PM3_STR,PM1,PM2,PP3,PP4; Identified as compound heterozygous with NM_003742.4:c.1259T>A

Baylor Genetics
Classification: Pathogenic for Benign recurrent intrahepatic cholestasis type 2. Last evaluated: 2024-02-08. Review status: criteria provided, single submitter. Criteria: ACMG Guidelines, 2015. Collection method: clinical testing. Allele origin: unknown.

Mayo Clinic Laboratories, Mayo Clinic
Classification: Pathogenic. Last evaluated: 2023-09-14. Review status: criteria provided, single submitter. Criteria: ACMG Guidelines, 2015. Collection method: clinical testing. Allele origin: germline. Observed: 1 variant allele.
Comment: PP3, PM2_moderate, PM3, PS3, PS4_moderate

Eurofins-Biomnis
Classification: Pathogenic for Progressive familial intrahepatic cholestasis type 2. Last evaluated: 2022-12-01. Review status: criteria provided, single submitter. Criteria: Accession Criteria ClinVar Biomnis. Collection method: clinical testing. Allele origin: biparental. Affected: yes. Observed: 1 homozygote.

Fulgent Genetics
Classification: Pathogenic for Progressive familial intrahepatic cholestasis type 2; Benign recurrent intrahepatic cholestasis type 2. Last evaluated: 2022-04-05. Review status: criteria provided, single submitter. Criteria: ACMG Guidelines, 2015. Collection method: clinical testing. Allele origin: unknown.

CeGaT Center for Human Genetics Tuebingen
Classification: Pathogenic. Last evaluated: 2021-08-01. Review status: criteria provided, single submitter. Criteria: CeGaT Center For Human Genetics Tuebingen Variant Classification Criteria Version 2. Collection method: clinical testing. Allele origin: germline. Affected: yes. Observed: 3 variant alleles.

Centre for Mendelian Genomics, University Medical Centre Ljubljana
Classification: Pathogenic for Benign recurrent intrahepatic cholestasis type 2. Last evaluated: 2019-09-09. Review status: criteria provided, single submitter. Criteria: ACMG Guidelines, 2015. Collection method: clinical testing. Allele origin: unknown. Affected: yes.
Comment: This variant was classified as: Pathogenic. The following ACMG criteria were applied in classifying this variant: PS1,PS3,PM2,PP3,BP1.

Illumina Laboratory Services, Illumina
Classification: Pathogenic for Progressive familial intrahepatic cholestasis type 2. Last evaluated: 2018-09-21. Review status: criteria provided, single submitter. Criteria: ICSL Variant Classification Criteria 09 May 2019. Collection method: clinical testing. Allele origin: germline.
Comment: Across a selection of the available literature, the ABCB11 c.1445A>G (p.Asp482Gly) variant has been identified in a homozygous state in 11 probands, in a compound heterozygous state in 18 probands, and in a heterozygous state in three probands (Strautnieks et al. 1998; Strautnieks et al. 2008; Giovannoni et al. 2015; Varma et al. 2016). The p.Asp482Gly variant was absent from 300 control chromosomes and is reported at a frequency of 0.00005 in the European (non-Finnish) population of the Exome Aggregation Consortium. Strautnieks et al. (2008) showed that there was variability in the level of ABCB11 protein expression that did not correlate with genotype from normal to undetectable. Byrne et al. (2009) demonstrated that the p.Asp482Gly variant caused aberrant splicing with only 5% of normal splicing detected. The variant results in the introduction of 14 amino acids followed by a termination codon. Functional studies have shown that the variant protein is transcribed at comparable levels to the wild type protein and similarly located at the cell surface. However, the total protein expression level is significantly reduced to 2.5% and cell-surface protein expression to 5% of wild type suggesting that the variant reduces protein expression but does not impair trafficking to the membrane. Variant protein has been shown to be only partially glycosylated suggesting less stability. ATPase activity and bile acid transport of the p.Asp482Gly protein were shown to be comparable to wild type (Plass et al. 2004; Hayashi et al. 2005; Lam et al. 2007). Based on the collective evidence, the p.Asp482Gly variant is classified as pathogenic for familial intrahepatic cholestasis. This variant was observed by ICSL as part of a predisposition screen in an ostensibly healthy population.

Eurofins Ntd Llc (ga)
Classification: Pathogenic. Last evaluated: 2018-08-16. Review status: criteria provided, single submitter. Criteria: EGL ClinVar v180209 classification definitions. Collection method: clinical testing. Allele origin: germline. Observed: 3 variant alleles, 3 heterozygotes.

Literature cited by the submitters: PubMed 38108658 (cited by Genomenon, Inc); PubMed 37361697 (cited by Genomenon, Inc); PubMed 36995996 (cited by Genomenon, Inc); PubMed 34828443 (cited by Genomenon, Inc); PubMed 32793533 (cited by Genomenon, Inc); PubMed 31556557 (cited by Genomenon, Inc); PubMed 28733223 (cited by Genomenon, Inc); PubMed 25847299 (cited by Genomenon, Inc and Illumina Laboratory Services, Illumina); PubMed 18395098 (cited by 4 submitters); PubMed 9806540 (cited by 3 submitters); PubMed 17947449 (cited by Genomenon, Inc); PubMed 17855769 (cited by Genomenon, Inc and Illumina Laboratory Services, Illumina); PubMed 25713208 (cited by Genomenon, Inc); PubMed 12370274 (cited by Genomenon, Inc and Labcorp Genetics (formerly Invitae), Labcorp); PubMed 19101985 (cited by 3 submitters); PubMed 26019043 (cited by Labcorp Genetics (formerly Invitae), Labcorp); PubMed 14672610 (cited by Labcorp Genetics (formerly Invitae), Labcorp and Illumina Laboratory Services, Illumina); PubMed 15791618 (cited by Illumina Laboratory Services, Illumina); PubMed 26678486 (cited by Illumina Laboratory Services, Illumina).

NM_003742.4(ABCB11):c.1445A>G (p.Asp482Gly)

Gene: ABCB11 (ATP binding cassette subfamily B member 11; minus strand). Cytogenetic location: 2q31.1.
Variant type: single nucleotide variant.
Coding change: c.1445A>G on transcript NM_003742.4 (MANE Select); coding-DNA position 1445, A replaced by G.
Protein change: p.Asp482Gly; replaces aspartic acid 482 with glycine.
Molecular consequence: missense variant.
Genome position (GRCh38, 1-based): chr2:168,972,040, T>C on the plus strand (A>G on the coding strand, the complement: ABCB11 is on the minus strand). VCF-style: chr2-168972040-T-C. GRCh37 (hg19) VCF-style: chr2-169828550-T-C.
Other names: c.1445A>G, p.Asp482Gly (LRG_1199t1); short protein forms D482G.
Identifiers: ClinVar variation 288555 (VCV000288555.73), dbSNP rs72549402, ClinGen allele CA1951562.
Genomic context (GRCh38, chr2:168,972,040, plus strand): 5'-TCCACTATCCCAATCTGATCTCTAAGCCACTGAATGTTAAGAGAGCGAATGTCATGGCCA[T>C]CCACGGTCACCTAGAGAGCATGGGCACAACATCACAACTTTTGGAATCTTTCAGGGTTCT-3'
Protein context (NP_003733.2, residues 472-492): YDPCEGMVTV[Asp482Gly]GHDIRSLNIQ